The following is an entry in ClinVar:

Conditions:
Breast-ovarian cancer, familial, susceptibility to, 1 (BROVCA1). Also called: BRCA1 Hereditary Breast and Ovarian Cancer; OVARIAN CANCER, SUSCEPTIBILITY TO. Identifiers: Orphanet 145, MedGen C2676676, MONDO:0011450, OMIM 604370. Disease mechanism: loss of function.

Submission:

Brotman Baty Institute, University of Washington
No classification provided (evidence only). Condition: Breast-ovarian cancer, familial 1. Review status: no classification provided. Collection method: in vitro. Allele origin: not applicable. Functional consequence: functionally_abnormal.
ClinVar note: "not provided" was previously submitted as the classification for the variant. However, the classification appeared to be based only on an observation of functional data so it was converted to no classification on 2025-07-30.

NM_007294.4(BRCA1):c.5207T>A (p.Val1736Asp)

Gene: BRCA1 (BRCA1 DNA repair associated; minus strand). Cytogenetic location: 17q21.31.
Variant type: single nucleotide variant.
Coding change: c.5207T>A on transcript NM_007294.4 (MANE Select); coding-DNA position 5207, T replaced by A.
Protein change: p.Val1736Asp; replaces valine 1736 with aspartic acid.
Molecular consequence: missense variant. On other transcripts: non-coding transcript variant (1).
Genome position (GRCh38, 1-based): chr17:43,057,122, A>T on the plus strand (T>A on the coding strand, the complement: BRCA1 is on the minus strand). VCF-style: chr17-43057122-A-T. GRCh37 (hg19) VCF-style: chr17-41209139-A-T.
Other names: c.4994T>A, p.Val1665Asp (NM_001407571.1, NM_001407900.1, NM_001407902.1 and 12 more transcripts); c.5273T>A, p.Val1758Asp (NM_001407581.1, NM_001407582.1); c.5270T>A, p.Val1757Asp (NM_001407583.1, NM_001407585.1, NM_001407587.1 and 1 more transcripts); c.5267T>A, p.Val1756Asp (NM_001407590.1, NM_001407591.1); c.5207T>A, p.Val1736Asp (NM_001407593.1, NM_001407594.1, NM_001407596.1 and 7 more transcripts); c.5204T>A, p.Val1735Asp (NM_001407610.1, NM_001407611.1, NM_001407612.1 and 17 more transcripts); c.5201T>A, p.Val1734Asp (NM_001407629.1, NM_001407630.1, NM_001407631.1 and 14 more transcripts); c.5147T>A, p.Val1716Asp (NM_001407649.1); and 72 more; short protein forms V1689D, V1736D, V1757D, V632D, V1582D, V1609D, V1664D, V1666D.
Identifiers: ClinVar variation 867844 (VCV000867844.3), dbSNP rs45553935, ClinGen allele CA10591121.